The following is an entry in ClinVar:

NM_002755.4(MAP2K1):c.1062A>C (p.Gln354His)

Genes: SNAPC5 (small nuclear RNA activating complex polypeptide 5; minus strand), MAP2K1 (mitogen-activated protein kinase kinase 1; plus strand). Cytogenetic location: 15q22.31.
Variant type: single nucleotide variant.
Coding change: c.1062A>C on transcript NM_002755.4 (MANE Select); coding-DNA position 1062, A replaced by C.
Protein change: p.Gln354His; replaces glutamine 354 with histidine.
Molecular consequence: missense variant. On other transcripts: 3 prime UTR variant (1), non-coding transcript variant (1).
Genome position (GRCh38, 1-based): chr15:66,489,757, A>C. VCF-style: chr15-66489757-A-C. GRCh37 (hg19) VCF-style: chr15-66782095-A-C.
Other names: c.*982T>G (NM_006049.4); c.918A>C, p.Gln306His (NM_001411065.1); short protein forms Q354H, Q306H.
Identifiers: ClinVar variation 40761 (VCV000040761.9), dbSNP rs750035241, ClinGen allele CA7624101.

ClinVar aggregate classification (germline): Uncertain significance. Review status: criteria provided, multiple submitters, no conflicts (2 of 4 stars). 5 submissions from 5 submitters: Uncertain significance (5). Last evaluated 2025-10-21.

Conditions:
Melorheostosis (MEL). Also called: MELORHEOSTOSIS, ISOLATED. Identifiers: Orphanet 2485, MedGen C3149631, MONDO:0007970, OMIM 155950, HP:6000817.
Cardiofaciocutaneous syndrome 3 (CFC3). Also called: MAP2K1-Related Cardiofaciocutaneous Syndrome. Identifiers: Orphanet 1340, MedGen C3809006, MONDO:0014113, OMIM 615279.
Noonan syndrome 1 (NS1). Also called: TURNER PHENOTYPE WITH NORMAL KARYOTYPE; PTPN11-Related Noonan Syndrome; FEMALE PSEUDO-TURNER SYNDROME. Identifiers: Orphanet 648, MedGen C4551602, MONDO:0008104, OMIM 163950. Disease mechanism: gain of function.
RASopathy. Also called: rasopathies; Noonan spectrum disorder. Identifiers: Orphanet 536391, MedGen C5555857, MONDO:0021060.

Allele frequency attached by ClinVar (database versions not stated): ExAC 0.00002; gnomAD 0.00002 and 0.00003; gnomAD exomes 0.00001 and 0.00003; TOPMed 0.00002.
gnomAD v4.1: 22 of 1,613,268 alleles (0.0014%); highest among the groups gnomAD compares: East Asian, 0.045%; no homozygotes.

Submissions (5):

Labcorp Genetics (formerly Invitae), Labcorp
Classification: Uncertain significance for RASopathy. Last evaluated: 2025-10-21. Review status: criteria provided, single submitter. Criteria: Invitae Variant Classification Sherloc (09022015). Collection method: clinical testing. Allele origin: germline.
Comment: This sequence change replaces glutamine, which is neutral and polar, with histidine, which is basic and polar, at codon 354 of the MAP2K1 protein (p.Gln354His). This variant is present in population databases (rs750035241, gnomAD 0.06%). This variant has not been reported in the literature in individuals affected with MAP2K1-related conditions. ClinVar contains an entry for this variant (Variation ID: 40761). Invitae Evidence Modeling of protein sequence and biophysical properties (such as structural, functional, and spatial information, amino acid conservation, physicochemical variation, residue mobility, and thermodynamic stability) has been performed for this missense variant. However, the output from this modeling did not meet the statistical confidence thresholds required to predict the impact of this variant on MAP2K1 protein function. In summary, the available evidence is currently insufficient to determine the role of this variant in disease. Therefore, it has been classified as a Variant of Uncertain Significance.

Women's Health and Genetics/Laboratory Corporation of America, LabCorp
Classification: Uncertain significance. Last evaluated: 2025-07-18. Review status: criteria provided, single submitter. Criteria: LabCorp Variant Classification Summary - May 2015. Collection method: clinical testing. Allele origin: germline.
Comment: Variant summary: MAP2K1 c.1062A>C (p.Gln354His) results in a non-conservative amino acid change in the encoded protein sequence. Algorithms developed to predict the effect of missense changes on protein structure and function are either unavailable or do not agree on the potential impact of this missense change. The variant allele was found at a frequency of 3.2e-05 in 251478 control chromosomes. The available data on variant occurrences in the general population are insufficient to allow any conclusion about variant significance. To our knowledge, no occurrence of c.1062A>C in individuals affected with Cardiofaciocutaneous Syndrome or other MAP2K1-related disorders and no experimental evidence demonstrating its impact on protein function have been reported. ClinVar contains an entry for this variant (Variation ID: 40761). Based on the evidence outlined above, the variant was classified as uncertain significance.

Fulgent Genetics
Classification: Uncertain significance for Melorheostosis; Cardiofaciocutaneous syndrome 3. Last evaluated: 2024-03-14. Review status: criteria provided, single submitter. Criteria: ACMG Guidelines, 2015. Collection method: clinical testing. Allele origin: germline.

Department of Pathology and Laboratory Medicine, Sinai Health System
Classification: Uncertain significance for Melorheostosis; Noonan syndrome 1; Cardiofaciocutaneous syndrome 3. Last evaluated: 2021-08-10. Review status: criteria provided, single submitter. Criteria: ACMG Guidelines, 2015. Collection method: research. Allele origin: germline.

Juno Genomics, Hangzhou Juno Genomics, Inc
Classification: Uncertain significance for Cardiofaciocutaneous syndrome 3; Melorheostosis. Review status: criteria provided, single submitter. Criteria: ACMG Guidelines, 2015. Collection method: clinical testing. Allele origin: germline.
Comment: Absent from controls (or at extremely low frequency if recessive) in Genome Aggregation Database.;Missense variant in a gene that has a low rate of benign missense variation.